The following is an entry in ClinVar:

ClinVar aggregate classification (germline): Likely benign. Review status: criteria provided, multiple submitters, no conflicts (2 of 4 stars). 2 submissions from 2 submitters: Likely benign (2). Last evaluated 2023-10-16.

Conditions:
Dilated cardiomyopathy 1O (CMD1O). Also called: CARDIOMYOPATHY, DILATED, WITH VENTRICULAR TACHYCARDIA. Identifiers: Orphanet 154, MedGen C1837839, MONDO:0012062, OMIM 608569.

Allele frequency attached by ClinVar (database versions not stated): gnomAD exomes below 0.00001; ExAC 0.00001.
gnomAD v4.1: 4 of 1,597,040 alleles (0.00025%); highest among the groups gnomAD compares: Non-Finnish European, 0.00034%; no homozygotes.

Submissions (2):

Labcorp Genetics (formerly Invitae), Labcorp
Classification: Likely benign for Dilated cardiomyopathy 1O. Last evaluated: 2023-10-16. Review status: criteria provided, single submitter. Criteria: Invitae Variant Classification Sherloc (09022015). Collection method: clinical testing. Allele origin: germline.

GeneDx
Classification: Likely benign. Last evaluated: 2018-03-26. Review status: criteria provided, single submitter. Criteria: GeneDx Variant Classification (06012015). Collection method: clinical testing. Allele origin: germline. Affected: yes.
Comment: This variant is considered likely benign or benign based on one or more of the following criteria: it is a conservative change, it occurs at a poorly conserved position in the protein, it is predicted to be benign by multiple in silico algorithms, and/or has population frequency not consistent with disease.

NM_020297.4(ABCC9):c.1912-12T>C

Gene: ABCC9 (ATP binding cassette subfamily C member 9; minus strand). Cytogenetic location: 12p12.1.
Variant type: single nucleotide variant.
Coding change: c.1912-12T>C on transcript NM_020297.4 (MANE Select); 12 bases into the intron before coding-DNA position 1912, T replaced by C.
Molecular consequence: intron variant.
Genome position (GRCh38, 1-based): chr12:21,882,885, A>G on the plus strand (T>C on the coding strand, the complement: ABCC9 is on the minus strand). VCF-style: chr12-21882885-A-G. GRCh37 (hg19) VCF-style: chr12-22035819-A-G.
Other names: c.1048-12T>C (NM_001377274.1); c.1912-12T>C (NM_005691.4, NM_001377273.1).
Identifiers: ClinVar variation 681057 (VCV000681057.5), dbSNP rs779165053, ClinGen allele CA6481551.
Genomic context (GRCh38, chr12:21,882,885, plus strand): 5'-TGTCCAGGTGATATCTTCCAGGCTGTTTCCTGTTTATAGTTTTTGGCTGCTGCATTCCAA[A>G]TGGAAAAGAACACAAGTTGAGGCTTTATTAAAAAAATGAAGTTTTACTGAACACTTACTC-3'